The following is an entry in ClinVar:

NM_025137.4(SPG11):c.7105C>T (p.Gln2369Ter)

Gene: SPG11 (SPG11 vesicle trafficking associated, spatacsin; minus strand). Cytogenetic location: 15q21.1.
Variant type: single nucleotide variant.
Coding change: c.7105C>T on transcript NM_025137.4 (MANE Select); coding-DNA position 7105, C replaced by T.
Protein change: p.Gln2369Ter; replaces glutamine 2369 with a stop codon.
Molecular consequence: nonsense.
Genome position (GRCh38, 1-based): chr15:44,564,593, G>A on the plus strand (C>T on the coding strand, the complement: SPG11 is on the minus strand). VCF-style: chr15-44564593-G-A. GRCh37 (hg19) VCF-style: chr15-44856791-G-A.
Other names: c.6766C>T, p.Gln2256Ter (NM_001160227.2); short protein forms Q2369*, Q2256*.
Identifiers: ClinVar variation 969487 (VCV000969487.8), dbSNP rs1397432412, ClinGen allele CA392212542.

ClinVar aggregate classification (germline): Pathogenic (1 of 4 stars; one submission).

Conditions:
Hereditary spastic paraplegia 11. Also called: Nakamura Osame syndrome; Autosomal recessive hereditary spastic paraplegia, mental impairment, and thin corpus callosum; Spastic Paraplegia 11; Spastic paraplegia, mental retardation and thin corpus callosum; SPASTIC PARAPLEGIA, AUTOSOMAL RECESSIVE, COMPLICATED, WITH THIN CORPUS CALLOSUM; SPASTIC PARAPLEGIA, AUTOSOMAL RECESSIVE, WITH MENTAL IMPAIRMENT AND THIN CORPUS CALLOSUM. Identifiers: Orphanet 2822, MedGen C1858479, MONDO:0011445, OMIM 604360.

Allele frequency attached by ClinVar (database versions not stated): gnomAD exomes below 0.00001.
gnomAD v4.1: 3 of 1,613,834 alleles (0.00019%); highest among the groups gnomAD compares: East Asian, 0.0045%; no homozygotes.

Submission:

Labcorp Genetics (formerly Invitae), Labcorp
Classification: Pathogenic for Hereditary spastic paraplegia 11. Last evaluated: 2024-03-05. Review status: criteria provided, single submitter. Criteria: Invitae Variant Classification Sherloc (09022015). Collection method: clinical testing. Allele origin: germline.
Comment: This sequence change creates a premature translational stop signal (p.Gln2369*) in the SPG11 gene. It is expected to result in an absent or disrupted protein product. Loss-of-function variants in SPG11 are known to be pathogenic (PMID: 19105190, 20110243, 22154821, 26556829). This variant is present in population databases (no rsID available, gnomAD 0.006%). This variant has not been reported in the literature in individuals affected with SPG11-related conditions. ClinVar contains an entry for this variant (Variation ID: 969487). For these reasons, this variant has been classified as Pathogenic.

Literature cited by the submitters: PubMed 19105190; PubMed 20110243; PubMed 22154821; PubMed 26556829.